The following is an entry in ClinVar:

ClinVar aggregate classification (germline): Likely benign. Review status: criteria provided, single submitter (1 of 4 stars). 2 submissions from 2 submitters: Likely benign (1). 1 of the submissions does not count toward it. Last evaluated 2025-01-01.

Conditions:
TANC2-related disorder. Also called: TANC2-related condition.

Allele frequency attached by ClinVar (database versions not stated): ExAC 0.00002; gnomAD 0.00002; TOPMed 0.00005.
gnomAD v4.1: 19 of 1,613,858 alleles (0.0012%); highest among the groups gnomAD compares: Admixed American, 0.018%; no homozygotes.

Submissions (2):

CeGaT Center for Human Genetics Tuebingen
Classification: Likely benign. Last evaluated: 2025-01-01. Review status: criteria provided, single submitter. Criteria: CeGaT Center For Human Genetics Tuebingen Variant Classification Criteria Version 2. Collection method: clinical testing. Allele origin: germline. Affected: yes. Observed: 1 variant allele.
Comment: TANC2: BP4, BP7

PreventionGenetics, part of Exact Sciences
Classification: Likely benign for TANC2-related condition. Last evaluated: 2019-08-12. Review status: no assertion criteria provided. Collection method: clinical testing. Allele origin: germline. Not counted in ClinVar's aggregate classification.
Comment: This variant is classified as likely benign based on ACMG/AMP sequence variant interpretation guidelines (Richards et al. 2015 PMID: 25741868, with internal and published modifications).

NM_001394998.1(TANC2):c.5271G>A (p.Pro1757=)

Gene: TANC2 (tetratricopeptide repeat, ankyrin repeat and coiled-coil containing 2; plus strand). Cytogenetic location: 17q23.3.
Variant type: single nucleotide variant.
Coding change: c.5271G>A on transcript NM_001394998.1 (MANE Select); coding-DNA position 5271, G replaced by A.
Protein change: p.Pro1757=; no amino-acid change (proline 1757 retained).
Molecular consequence: synonymous variant.
Genome position (GRCh38, 1-based): chr17:63,421,001, G>A. VCF-style: chr17-63421001-G-A. GRCh37 (hg19) VCF-style: chr17-61498362-G-A.
Other names: c.5049G>A, p.Pro1683= (NM_001411076.1); c.5019G>A, p.Pro1673= (NM_025185.4).
Identifiers: ClinVar variation 3035241 (VCV003035241.15), dbSNP rs370017917, ClinGen allele CA8698410.